The following is an entry in ClinVar:

NM_001378778.1(MPDZ):c.600T>G (p.Ile200Met)

Gene: MPDZ (multiple PDZ domain crumbs cell polarity complex component; minus strand). Cytogenetic location: 9p23.
Variant type: single nucleotide variant.
Coding change: c.600T>G on transcript NM_001378778.1 (MANE Select); coding-DNA position 600, T replaced by G.
Protein change: p.Ile200Met; replaces isoleucine 200 with methionine.
Molecular consequence: missense variant.
Genome position (GRCh38, 1-based): chr9:13,222,380, A>C on the plus strand (T>G on the coding strand, the complement: MPDZ is on the minus strand). VCF-style: chr9-13222380-A-C. GRCh37 (hg19) VCF-style: chr9-13222379-A-C.
Other names: c.600T>G, p.Ile200Met (NM_001261406.2, NM_001261407.2, NM_001330637.2 and 14 more transcripts); short protein forms I200M.
Identifiers: ClinVar variation 1363876 (VCV001363876.6), dbSNP rs1959180366, ClinGen allele CA372946871.
Genomic context (GRCh38, chr9:13,222,380, plus strand): 5'-AATAACTAGCTGGACAGTATCTTTGGCTTTCTGCAGGATGCTGATAGCCTGCTGATGTGT[A>C]ATTGTCTGATCAAGAGCCTGTCCATTGATAGCAAGAATTTGATCAGTTTCTTTCAATCTT-3'
Protein context (NP_001365707.1, residues 190-210): AINGQALDQT[Ile200Met]THQQAISILQ

ClinVar aggregate classification (germline): Uncertain significance (1 of 4 stars; one submission).

Allele frequency attached by ClinVar (database versions not stated): gnomAD 0.00001.
gnomAD v4.1: 1 of 1,612,780 alleles (0.000062%); highest among the groups gnomAD compares: Admixed American, 0.0017%; no homozygotes.

Submission:

Labcorp Genetics (formerly Invitae), Labcorp
Classification: Uncertain significance. Last evaluated: 2021-02-19. Review status: criteria provided, single submitter. Criteria: Invitae Variant Classification Sherloc (09022015). Collection method: clinical testing. Allele origin: germline.
Comment: In summary, the available evidence is currently insufficient to determine the role of this variant in disease. Therefore, it has been classified as a Variant of Uncertain Significance. Algorithms developed to predict the effect of missense changes on protein structure and function are either unavailable or do not agree on the potential impact of this missense change (SIFT: "Deleterious"; PolyPhen-2: "Benign"; Align-GVGD: "Class C0"). This variant has not been reported in the literature in individuals with MPDZ-related conditions. This variant is not present in population databases (ExAC no frequency). This sequence change replaces isoleucine with methionine at codon 200 of the MPDZ protein (p.Ile200Met). The isoleucine residue is highly conserved and there is a small physicochemical difference between isoleucine and methionine.